The following is an entry in ClinVar:

NM_032387.5(WNK4):c.133C>A (p.Arg45Ser)

Gene: WNK4 (WNK lysine deficient protein kinase 4; plus strand). Cytogenetic location: 17q21.2.
Variant type: single nucleotide variant.
Coding change: c.133C>A on transcript NM_032387.5 (MANE Select); coding-DNA position 133, C replaced by A.
Protein change: p.Arg45Ser; replaces arginine 45 with serine.
Molecular consequence: missense variant. On other transcripts: 5 prime UTR variant (1).
Genome position (GRCh38, 1-based): chr17:42,780,831, C>A. VCF-style: chr17-42780831-C-A. GRCh37 (hg19) VCF-style: chr17-40932849-C-A.
Other names: c.-787C>A (NM_001321299.2); short protein forms R45S.
Identifiers: ClinVar variation 3364554 (VCV003364554.1).

ClinVar aggregate classification (germline): Uncertain significance (1 of 4 stars; one submission).

gnomAD v4.1: 1 of 1,601,690 alleles (0.000062%); highest among the groups gnomAD compares: East Asian, 0.0022%; no homozygotes.

Submission:

GeneDx
Classification: Uncertain significance. Last evaluated: 2023-11-22. Review status: criteria provided, single submitter. Criteria: GeneDx Variant Classification Process June 2021. Collection method: clinical testing. Allele origin: germline. Affected: yes.
Comment: Not observed at significant frequency in large population cohorts (gnomAD); In silico analysis supports that this missense variant does not alter protein structure/function; Has not been previously published as pathogenic or benign to our knowledge